The following is an entry in ClinVar:

NM_006623.4(PHGDH):c.352G>A (p.Ala118Thr)

Gene: PHGDH (phosphoglycerate dehydrogenase; plus strand). Cytogenetic location: 1p12.
Variant type: single nucleotide variant.
Coding change: c.352G>A on transcript NM_006623.4 (MANE Select); coding-DNA position 352, G replaced by A.
Protein change: p.Ala118Thr; replaces alanine 118 with threonine.
Molecular consequence: missense variant.
Genome position (GRCh38, 1-based): chr1:119,723,437, G>A. VCF-style: chr1-119723437-G-A. GRCh37 (hg19) VCF-style: chr1-120266060-G-A.
Other names: short protein forms A118T.
Identifiers: ClinVar variation 2528855 (VCV002528855.3), dbSNP rs2464092602, ClinGen allele CA341847508.

ClinVar aggregate classification (germline): Uncertain significance. Review status: criteria provided, multiple submitters, no conflicts (2 of 4 stars). 2 submissions from 2 submitters: Uncertain significance (2). Last evaluated 2025-06-12.

Conditions:
Inborn genetic diseases. Identifiers: MedGen C0950123, MeSH D030342.

Allele frequency attached by ClinVar (database versions not stated): gnomAD exomes 0.00001.
gnomAD v4.1: 10 of 1,612,608 alleles (0.00062%); highest among the groups gnomAD compares: East Asian, 0.0022%; no homozygotes.

Submissions (2):

GeneDx
Classification: Uncertain significance. Last evaluated: 2025-06-12. Review status: criteria provided, single submitter. Criteria: GeneDx Variant Classification Process June 2021. Collection method: clinical testing. Allele origin: germline. Affected: yes.
Comment: Not observed at significant frequency in large population cohorts (gnomAD); In silico analysis supports that this missense variant has a deleterious effect on protein structure/function; Has not been previously published as pathogenic or benign to our knowledge

Ambry Genetics
Classification: Uncertain significance for Inborn genetic diseases. Last evaluated: 2023-03-23. Review status: criteria provided, single submitter. Criteria: Ambry Variant Classification Scheme 2023. Collection method: clinical testing. Allele origin: germline.